The following is an entry in ClinVar:

NM_020987.5(ANK3):c.1436C>G (p.Ala479Gly)

Gene: ANK3 (ankyrin 3; minus strand). Cytogenetic location: 10q21.2.
Variant type: single nucleotide variant.
Coding change: c.1436C>G on transcript NM_020987.5 (MANE Select); coding-DNA position 1436, C replaced by G.
Protein change: p.Ala479Gly; replaces alanine 479 with glycine.
Molecular consequence: missense variant.
Genome position (GRCh38, 1-based): chr10:60,200,184, G>C on the plus strand (C>G on the coding strand, the complement: ANK3 is on the minus strand). VCF-style: chr10-60200184-G-C. GRCh37 (hg19) VCF-style: chr10-61959942-G-C.
Other names: c.1418C>G, p.Ala473Gly (NM_001204403.2); c.1385C>G, p.Ala462Gly (NM_001204404.2); c.1436C>G, p.Ala479Gly (NM_001320874.2); short protein forms A473G, A479G, A462G.
Identifiers: ClinVar variation 386205 (VCV000386205.2), dbSNP rs138255802, ClinGen allele CA16605660.

ClinVar aggregate classification (germline): Uncertain significance (1 of 4 stars; one submission).

gnomAD v4.1: 18 of 1,614,166 alleles (0.0011%); highest among the groups gnomAD compares: Non-Finnish European, 0.0014%; no homozygotes.

Submission:

GeneDx
Classification: Uncertain significance. Last evaluated: 2016-05-10. Review status: criteria provided, single submitter. Criteria: GeneDx Variant Classification (06012015). Collection method: clinical testing. Allele origin: germline. Affected: yes.
Comment: The A479G variant in the ANK3 gene has not been reported previously as a pathogenic variant, nor as a benign variant, to our knowledge. The A479G variant was not observed in approximately 6500 individuals of European and African American ancestry in the NHLBI Exome Sequencing Project, indicating it is not a common benign variant in these populations. The A479G variant is a conservative amino acid substitution, which is not likely to impact secondary protein structure as these residues share similar properties. This substitution occurs at a position that is conserved across species. In silico analysis is inconsistent in its predictions as to whether or not the variant is damaging to the protein structure/function. We interpret A479G as a variant of uncertain significance.